The following is an entry in ClinVar:

ClinVar aggregate classification (germline): Uncertain significance (1 of 4 stars; one submission).

Allele frequency attached by ClinVar (database versions not stated): TOPMed 0.00001; ESP Exome Variant Server 0.00008.
gnomAD v4.1: 9 of 1,614,144 alleles (0.00056%); highest among the groups gnomAD compares: Non-Finnish European, 0.00076%; no homozygotes.

Submission:

Labcorp Genetics (formerly Invitae), Labcorp
Classification: Uncertain significance. Last evaluated: 2022-05-15. Review status: criteria provided, single submitter. Criteria: Invitae Variant Classification Sherloc (09022015). Collection method: clinical testing. Allele origin: germline.
Comment: In summary, the available evidence is currently insufficient to determine the role of this variant in disease. Therefore, it has been classified as a Variant of Uncertain Significance. Algorithms developed to predict the effect of missense changes on protein structure and function are either unavailable or do not agree on the potential impact of this missense change (SIFT: "Deleterious"; PolyPhen-2: "Probably Damaging"; Align-GVGD: "Class C0"). This variant has not been reported in the literature in individuals affected with DDX58-related conditions. This variant is present in population databases (rs370894853, gnomAD 0.0009%). This sequence change replaces leucine, which is neutral and non-polar, with proline, which is neutral and non-polar, at codon 64 of the DDX58 protein (p.Leu64Pro).

NM_014314.4(RIGI):c.191T>C (p.Leu64Pro)

Gene: RIGI (RNA sensor RIG-I; minus strand). Cytogenetic location: 9p21.1.
Variant type: single nucleotide variant.
Coding change: c.191T>C on transcript NM_014314.4 (MANE Select); coding-DNA position 191, T replaced by C.
Protein change: p.Leu64Pro; replaces leucine 64 with proline.
Molecular consequence: missense variant. On other transcripts: 5 prime UTR variant (3).
Genome position (GRCh38, 1-based): chr9:32,500,855, A>G on the plus strand (T>C on the coding strand, the complement: RIGI is on the minus strand). VCF-style: chr9-32500855-A-G. GRCh37 (hg19) VCF-style: chr9-32500853-A-G.
Other names: c.191T>C, p.Leu64Pro (NM_001385907.1, NM_001385909.1, NM_001385913.1); c.-264T>C (NM_001385910.1, NM_001385914.1); c.-271T>C (NM_001385912.1); short protein forms L64P.
Identifiers: ClinVar variation 1956755 (VCV001956755.5), dbSNP rs370894853, ClinGen allele CA192328174.